The following is an entry in ClinVar:

ClinVar aggregate classification (germline): Uncertain significance. Review status: criteria provided, multiple submitters, no conflicts (2 of 4 stars). 3 submissions from 3 submitters: Uncertain significance (3). Last evaluated 2024-10-17.

Conditions:
Developmental and epileptic encephalopathy 111 (DEE111). Identifiers: MedGen C5882690, MONDO:0957780, OMIM 620504.
Epilepsy, familial focal, with variable foci 1 (FFEVF1). Also called: DEPDC5-Related Epilepsy. Identifiers: MedGen C4551983, MONDO:0024556, OMIM 604364.
Familial focal epilepsy with variable foci (FPEVF). Identifiers: Orphanet 98820, MedGen C1858477, MONDO:0020310.
Inborn genetic diseases. Identifiers: MedGen C0950123, MeSH D030342.

Allele frequency attached by ClinVar (database versions not stated): gnomAD 0.00001; gnomAD exomes 0.00002 and 0.00006; TOPMed 0.00004; ExAC 0.00006.
gnomAD v4.1: 27 of 1,614,110 alleles (0.0017%); highest among the groups gnomAD compares: East Asian, 0.04%; no homozygotes.

Submissions (3):

Labcorp Genetics (formerly Invitae), Labcorp
Classification: Uncertain significance for Familial focal epilepsy with variable foci. Last evaluated: 2024-10-17. Review status: criteria provided, single submitter. Criteria: Invitae Variant Classification Sherloc (09022015). Collection method: clinical testing. Allele origin: germline.
Comment: This sequence change replaces tyrosine, which is neutral and polar, with cysteine, which is neutral and slightly polar, at codon 7 of the DEPDC5 protein (p.Tyr7Cys). This variant is present in population databases (rs748813142, gnomAD 0.07%). This missense change has been observed in individual(s) with DEPDC5-related conditions (PMID: 28170089, 30093711, 30427063, 35571021). ClinVar contains an entry for this variant (Variation ID: 466464). Experimental studies and prediction algorithms are not available or were not evaluated, and the functional significance of this variant is currently unknown. Algorithms developed to predict the effect of sequence changes on RNA splicing suggest that this variant may disrupt the consensus splice site. In summary, the available evidence is currently insufficient to determine the role of this variant in disease. Therefore, it has been classified as a Variant of Uncertain Significance.

Ambry Genetics
Classification: Uncertain significance for Inborn genetic diseases. Last evaluated: 2021-08-31. Review status: criteria provided, single submitter. Criteria: Ambry Variant Classification Scheme 2023. Collection method: clinical testing. Allele origin: germline.

Juno Genomics, Hangzhou Juno Genomics, Inc
Classification: Uncertain significance for Developmental and epileptic encephalopathy 111; Epilepsy, familial focal, with variable foci 1. Review status: criteria provided, single submitter. Criteria: ACMG Guidelines, 2015. Collection method: clinical testing. Allele origin: germline.
Comment: Absent from controls (or at extremely low frequency if recessive) in Genome Aggregation Database.;Multiple lines of computational evidence support a deleterious effect on the gene or gene product.;The prevalence of the variant in affected individuals is significantly increased compared to the prevalence in controls.

Literature cited by the submitters: PubMed 28170089 (cited by Labcorp Genetics (formerly Invitae), Labcorp and Ambry Genetics); PubMed 30093711 (cited by Labcorp Genetics (formerly Invitae), Labcorp); PubMed 30427063 (cited by Labcorp Genetics (formerly Invitae), Labcorp and Ambry Genetics); PubMed 35571021 (cited by Labcorp Genetics (formerly Invitae), Labcorp); PubMed 32848577 (cited by Ambry Genetics).

NM_001242896.3(DEPDC5):c.20A>G (p.Tyr7Cys)

Gene: DEPDC5 (DEP domain containing 5, GATOR1 subcomplex subunit; plus strand). Cytogenetic location: 22q12.2.
Variant type: single nucleotide variant.
Coding change: c.20A>G on transcript NM_001242896.3 (MANE Select); coding-DNA position 20, A replaced by G.
Protein change: p.Tyr7Cys; replaces tyrosine 7 with cysteine.
Molecular consequence: missense variant. On other transcripts: non-coding transcript variant (5).
Genome position (GRCh38, 1-based): chr22:31,754,941, A>G. VCF-style: chr22-31754941-A-G. GRCh37 (hg19) VCF-style: chr22-32150927-A-G.
Other names: c.20A>G, p.Tyr7Cys (NM_001007188.4, NM_001136029.4, NM_001242897.2 and 9 more transcripts); short protein forms Y7C.
Identifiers: ClinVar variation 466464 (VCV000466464.13), dbSNP rs748813142, ClinGen allele CA10195780.